The following is an entry in ClinVar:

NM_001009944.3(PKD1):c.1217G>A (p.Cys406Tyr)

Gene: PKD1 (polycystin 1, transient receptor potential channel interacting; minus strand). Cytogenetic location: 16p13.3.
Variant type: single nucleotide variant.
Coding change: c.1217G>A on transcript NM_001009944.3 (MANE Select); coding-DNA position 1217, G replaced by A.
Protein change: p.Cys406Tyr; replaces cysteine 406 with tyrosine.
Molecular consequence: missense variant.
Genome position (GRCh38, 1-based): chr16:2,117,657, C>T on the plus strand (G>A on the coding strand, the complement: PKD1 is on the minus strand). VCF-style: chr16-2117657-C-T. GRCh37 (hg19) VCF-style: chr16-2167658-C-T.
Other names: c.1217G>A, p.Cys406Tyr (NM_000296.4); short protein forms C406Y.
Identifiers: ClinVar variation 3236258 (VCV003236258.2), dbSNP rs2544876485, ClinGen allele CA394392870.

ClinVar aggregate classification (germline): Uncertain significance. Review status: criteria provided, multiple submitters, no conflicts (2 of 4 stars). 2 submissions from 2 submitters: Uncertain significance (2). Last evaluated 2024-09-22.

Conditions:
Polycystic kidney disease, adult type (PKD1). Also called: Polycystic Kidney Disease 1, Autosomal Dominant; Polycystic kidney disease 1; Polycystic kidney disease 1, severe; Polycystic Kidney, Autosomal Dominant; POLYCYSTIC KIDNEY DISEASE 1 WITH OR WITHOUT POLYCYSTIC LIVER DISEASE; POLYCYSTIC KIDNEY DISEASE, ADULT, TYPE I. Identifiers: MedGen C3149841, MONDO:0008263, OMIM 173900.

Submissions (2):

Genomic Medicine Center of Excellence, King Faisal Specialist Hospital and Research Centre
Classification: Uncertain significance for Polycystic kidney disease, adult type. Last evaluated: 2024-09-22. Review status: criteria provided, single submitter. Criteria: ACMG Guidelines, 2015. Collection method: clinical testing. Allele origin: germline.

MVZ Medizinische Genetik Mainz
Classification: Uncertain significance for Polycystic kidney disease, adult type. Last evaluated: 2024-02-19. Review status: criteria provided, single submitter. Criteria: UK Practice Guidelines For Variant Classification V4 01 2020. Collection method: clinical testing. Allele origin: germline. Inheritance: Autosomal dominant inheritance. Affected: yes. Observed: 1 variant allele.
Comment: ACMG Criteria: PM2_SUP,PM5_SUP,PP4